The following is an entry in ClinVar:

NM_004946.3(DOCK2):c.1907A>G (p.Lys636Arg)

Gene: DOCK2 (dedicator of cytokinesis 2; plus strand). Cytogenetic location: 5q35.1.
Variant type: single nucleotide variant.
Coding change: c.1907A>G on transcript NM_004946.3 (MANE Select); coding-DNA position 1907, A replaced by G.
Protein change: p.Lys636Arg; replaces lysine 636 with arginine.
Molecular consequence: missense variant. On other transcripts: non-coding transcript variant (1).
Genome position (GRCh38, 1-based): chr5:169,714,423, A>G. VCF-style: chr5-169714423-A-G. GRCh37 (hg19) VCF-style: chr5-169141427-A-G.
Other names: short protein forms K636R.
Identifiers: ClinVar variation 3687426 (VCV003687426.2).

ClinVar aggregate classification (germline): Uncertain significance (1 of 4 stars; one submission).

Conditions:
DOCK2 deficiency. Also called: Immunodeficiency 40. Identifiers: Orphanet 447737, MedGen C4225328, MONDO:0014637, OMIM 616433.

Submission:

Labcorp Genetics (formerly Invitae), Labcorp
Classification: Uncertain significance for DOCK2 deficiency. Last evaluated: 2024-05-22. Review status: criteria provided, single submitter. Criteria: Invitae Variant Classification Sherloc (09022015). Collection method: clinical testing. Allele origin: germline.
Comment: This sequence change replaces lysine, which is basic and polar, with arginine, which is basic and polar, at codon 636 of the DOCK2 protein (p.Lys636Arg). This variant is not present in population databases (gnomAD no frequency). This variant has not been reported in the literature in individuals affected with DOCK2-related conditions. An algorithm developed to predict the effect of missense changes on protein structure and function (PolyPhen-2) suggests that this variant is likely to be tolerated. In summary, the available evidence is currently insufficient to determine the role of this variant in disease. Therefore, it has been classified as a Variant of Uncertain Significance.